The following is an entry in ClinVar:

NM_201253.3(CRB1):c.1647T>C (p.Asn549=)

Gene: CRB1 (crumbs cell polarity complex component 1; plus strand). Cytogenetic location: 1q31.3.
Variant type: single nucleotide variant.
Coding change: c.1647T>C on transcript NM_201253.3 (MANE Select); coding-DNA position 1647, T replaced by C.
Protein change: p.Asn549=; no amino-acid change (asparagine 549 retained).
Molecular consequence: synonymous variant. On other transcripts: non-coding transcript variant (2).
Genome position (GRCh38, 1-based): chr1:197,421,475, T>C. VCF-style: chr1-197421475-T-C. GRCh37 (hg19) VCF-style: chr1-197390605-T-C.
Other names: c.1311T>C, p.Asn437= (NM_001193640.2); c.1440T>C, p.Asn480= (NM_001257965.2); c.1647T>C, p.Asn549= (NM_001257966.2).
Identifiers: ClinVar variation 99872 (VCV000099872.60), dbSNP rs62636283, ClinGen allele CA227996.
Genomic context (GRCh38, chr1:197,421,475, plus strand): 5'-GGATGTGTTTGTGAAGCTGGAGCTGCTAAGTGGCTACATTCACTTATCAATTCAGGTCAA[T>C]AATCAGTCAAAGGTGCTTCTGTTCATTTCCCACAACACCAGCGATGGAGAGTGGCATTTC-3'
Protein context (NP_957705.1, residues 539-559): SGYIHLSIQV[Asn549=]NQSKVLLFIS

ClinVar aggregate classification (germline): Benign/Likely benign. Review status: criteria provided, multiple submitters, no conflicts (2 of 4 stars). 8 submissions from 6 submitters: Benign (1); Likely benign (6). 1 of the submissions does not count toward it. Last evaluated 2026-01-19.

Conditions:
Leber congenital amaurosis 8 (LCA8). Identifiers: Orphanet 65, MedGen C3151202, MONDO:0013453, OMIM 613835.
Retinitis pigmentosa 12 (RP12). Also called: RP WITH OR WITHOUT PPRPE; RP WITH OR WITHOUT PRESERVED PARAARTERIOLE RETINAL PIGMENT EPITHELIUM; RETINITIS PIGMENTOSA WITH OR WITHOUT PARAARTERIOLAR PRESERVATION OF RETINAL PIGMENT EPITHELIUM. Identifiers: Orphanet 791, MedGen C1838647, MONDO:0010818, OMIM 600105.
Retinitis pigmentosa (RP). Identifiers: Orphanet 791, MedGen C0035334, MeSH D012174, MONDO:0019200, OMIM 268000. Inheritance: Autosomal dominant, autosomal recessive and X linked inheritance.
Pigmented paravenous retinochoroidal atrophy. Identifiers: Orphanet 251295, MedGen C1868310, MONDO:0008246, OMIM 172870.

Allele frequency attached by ClinVar (database versions not stated): gnomAD 0.00064; ESP Exome Variant Server 0.00108; 1000 Genomes Project 30x 0.00016; 1000 Genomes Project 0.00020; TOPMed 0.00048; ExAC 0.00050.
gnomAD v4.1: 813 of 1,614,232 alleles (0.05%); highest among the groups gnomAD compares: Non-Finnish European, 0.059%; 1 homozygote.

Submissions (8):

Labcorp Genetics (formerly Invitae), Labcorp
Classification: Likely benign for Leber congenital amaurosis 8; Retinitis pigmentosa 12. Last evaluated: 2026-01-19. Review status: criteria provided, single submitter. Criteria: Invitae Variant Classification Sherloc (09022015). Collection method: clinical testing. Allele origin: germline.

CeGaT Center for Human Genetics Tuebingen
Classification: Likely benign. Last evaluated: 2025-11-01. Review status: criteria provided, single submitter. Criteria: CeGaT Center For Human Genetics Tuebingen Variant Classification Criteria Version 2. Collection method: clinical testing. Allele origin: germline. Affected: yes. Observed: 2 variant alleles.
Comment: CRB1: BP4, BP7

Blueprint Genetics
Classification: Likely benign. Last evaluated: 2024-10-25. Review status: criteria provided, single submitter. Criteria: ACMG Guidelines, 2015. Collection method: clinical testing. Allele origin: germline.

Illumina Laboratory Services, Illumina
Classification: Likely benign for Retinitis pigmentosa. Last evaluated: 2017-04-28. Review status: criteria provided, single submitter. Criteria: ICSL Variant Classification Criteria 13 December 2019. Collection method: clinical testing. Allele origin: germline.
Comment: This variant was observed as part of a predisposition screen in an ostensibly healthy population. A literature search was performed for the gene, cDNA change, and amino acid change (where applicable). Publications were found based on this search. The evidence from the literature, in combination with allele frequency data from public databases where available, was sufficient to determine this variant is unlikely to cause disease. Therefore, this variant is classified as likely benign.

Illumina Laboratory Services, Illumina
Classification: Likely benign for Leber congenital amaurosis 8. Last evaluated: 2017-04-28. Review status: criteria provided, single submitter. Criteria: ICSL Variant Classification Criteria 13 December 2019. Collection method: clinical testing. Allele origin: germline.
Comment: This variant was observed as part of a predisposition screen in an ostensibly healthy population. A literature search was performed for the gene, cDNA change, and amino acid change (where applicable). No publications were found based on this search. Allele frequency data from public databases allowed determination this variant is unlikely to cause disease. Therefore, this variant is classified as likely benign.

Illumina Laboratory Services, Illumina
Classification: Likely benign for Pigmented paravenous retinochoroidal atrophy. Last evaluated: 2017-04-28. Review status: criteria provided, single submitter. Criteria: ICSL Variant Classification Criteria 13 December 2019. Collection method: clinical testing. Allele origin: germline.
Comment: the same text as in the submission from Illumina Laboratory Services, Illumina above.

GeneDx
Classification: Benign. Last evaluated: 2015-03-03. Review status: criteria provided, single submitter. Criteria: GeneDx Variant Classification Process June 2021. Collection method: clinical testing. Allele origin: germline. Affected: yes.

Retina International
No classification provided. Review status: no classification provided. Collection method: not provided. Allele origin: not provided. Not counted in ClinVar's aggregate classification.

Literature cited by the submitters: PubMed 12843338 (cited by Illumina Laboratory Services, Illumina).